The following is an entry in ClinVar:

ClinVar aggregate classification (germline): Uncertain significance (1 of 4 stars; one submission).

Conditions:
Hereditary cancer-predisposing syndrome. Also called: Neoplastic Syndromes, Hereditary; Tumor predisposition; Hereditary Cancer Syndrome; Hereditary neoplastic syndrome. Identifiers: Orphanet 140162, MedGen C0027672, MeSH D009386, MONDO:0015356.

Submission:

Color Diagnostics, LLC DBA Color Health
Classification: Uncertain significance for Hereditary cancer-predisposing syndrome. Last evaluated: 2024-08-07. Review status: criteria provided, single submitter. Criteria: ACMG Guidelines, 2015. Collection method: clinical testing. Allele origin: germline.
Comment: This missense variant replaces glutamine with lysine at codon 499 of the BRIP1 protein. Computational prediction suggests that this variant may not impact protein structure and function. To our knowledge, functional studies have not been reported for this variant. This variant has not been reported in individuals affected with BRIP1-related disorders in the literature. This variant has not been identified in the general population by the Genome Aggregation Database (gnomAD). The available evidence is insufficient to determine the role of this variant in disease conclusively. Therefore, this variant is classified as a Variant of Uncertain Significance.

NM_032043.3(BRIP1):c.1495C>A (p.Gln499Lys)

Gene: BRIP1 (BRCA1 interacting DNA helicase 1; minus strand). Cytogenetic location: 17q23.2.
Variant type: single nucleotide variant.
Coding change: c.1495C>A on transcript NM_032043.3 (MANE Select); coding-DNA position 1495, C replaced by A.
Protein change: p.Gln499Lys; replaces glutamine 499 with lysine.
Molecular consequence: missense variant.
Genome position (GRCh38, 1-based): chr17:61,784,403, G>T on the plus strand (C>A on the coding strand, the complement: BRIP1 is on the minus strand). VCF-style: chr17-61784403-G-T. GRCh37 (hg19) VCF-style: chr17-59861764-G-T.
Other names: short protein forms Q499K.
Identifiers: ClinVar variation 3894000 (VCV003894000.1).
Genomic context (GRCh38, chr17:61,784,403, plus strand): 5'-TAACAGGTACTTCTCTTGCCTCCTCTTTACCATAAATTGGTGAGATTTTTTCCTCTTTTT[G>T]AAGAACAGCAGAAAAATGTCCCTATAAGAAATTACCATATTAAGTATAGAGGGGTTGGGA-3'
Protein context (NP_114432.2, residues 489-509): ILQGHFSAVL[Gln499Lys]KEEKISPIYG